The following is an entry in ClinVar:

NM_001378454.1(ALMS1):c.11411G>C (p.Arg3804Thr)

Gene: ALMS1 (ALMS1 centrosome and basal body associated protein; plus strand). Cytogenetic location: 2p13.1.
Variant type: single nucleotide variant.
Coding change: c.11411G>C on transcript NM_001378454.1 (MANE Select); coding-DNA position 11411, G replaced by C.
Protein change: p.Arg3804Thr; replaces arginine 3804 with threonine.
Molecular consequence: missense variant.
Genome position (GRCh38, 1-based): chr2:73,573,288, G>C. VCF-style: chr2-73573288-G-C. GRCh37 (hg19) VCF-style: chr2-73800415-G-C.
Other names: c.11414G>C, p.Arg3805Thr (NM_015120.4); short protein forms R3805T, R3804T.
Identifiers: ClinVar variation 390504 (VCV000390504.42), dbSNP rs201028172, ClinGen allele CA1715186.

ClinVar aggregate classification (germline): Conflicting classifications of pathogenicity. Review status: criteria provided, conflicting classifications (1 of 4 stars). 8 submissions from 8 submitters: Uncertain significance (4); Likely benign (2). 2 of the submissions do not count toward it. Last evaluated 2026-07-23.

Conditions:
Retinal dystrophy. Also called: Inherited retinal dystrophy. Identifiers: Orphanet 71862, MedGen C0854723, MeSH D058499, MONDO:0019118, HP:0000556.
Alstrom syndrome (ALMS). Identifiers: Orphanet 64, MedGen C0268425, MONDO:0008763, OMIM 203800.
Cardiovascular phenotype. Identifiers: MedGen CN230736.

Allele frequency attached by ClinVar (database versions not stated): ExAC 0.00015; 1000 Genomes Project 30x 0.00016; gnomAD 0.00019 and 0.00021; 1000 Genomes Project 0.00020; gnomAD exomes 0.00022; TOPMed 0.00022.
gnomAD v4.1: 279 of 1,614,096 alleles (0.017%); highest among the groups gnomAD compares: Middle Eastern, 0.099%; 2 homozygotes.

Submissions (8):

GeneDx
Classification: Uncertain significance. Last evaluated: 2026-07-23. Review status: criteria provided, single submitter. Criteria: GeneDx Variant Classification Process June 2021. Collection method: clinical testing. Allele origin: germline.
Comment: Observed in an individual with Alstrom syndrome who was also apparently homozygous for a nonsense variant in ALMS1 (PMID: 38883129); In silico analysis supports that this missense variant has a deleterious effect on protein structure/function; This variant is associated with the following publications: (PMID: 31199839, 38883129, 25846608, 30513137)

Blueprint Genetics
Classification: Uncertain significance. Last evaluated: 2024-11-17. Review status: criteria provided, single submitter. Criteria: ACMG Guidelines, 2015. Collection method: clinical testing. Allele origin: germline.

CeGaT Center for Human Genetics Tuebingen
Classification: Likely benign. Last evaluated: 2023-04-01. Review status: criteria provided, single submitter. Criteria: CeGaT Center For Human Genetics Tuebingen Variant Classification Criteria Version 2. Collection method: clinical testing. Allele origin: germline. Affected: yes. Observed: 1 variant allele.
Comment: ALMS1: BP4

Labcorp Genetics (formerly Invitae), Labcorp
Classification: Uncertain significance for Alstrom syndrome. Last evaluated: 2022-11-01. Review status: criteria provided, single submitter. Criteria: Invitae Variant Classification Sherloc (09022015). Collection method: clinical testing. Allele origin: germline.
Comment: This sequence change replaces arginine, which is basic and polar, with threonine, which is neutral and polar, at codon 3805 of the ALMS1 protein (p.Arg3805Thr). This variant is present in population databases (rs201028172, gnomAD 0.07%). This variant has not been reported in the literature in individuals affected with ALMS1-related conditions. ClinVar contains an entry for this variant (Variation ID: 390504). Experimental studies and prediction algorithms are not available or were not evaluated, and the functional significance of this variant is currently unknown. In summary, the available evidence is currently insufficient to determine the role of this variant in disease. Therefore, it has been classified as a Variant of Uncertain Significance.

Ambry Genetics
Classification: Likely benign for Cardiovascular phenotype. Last evaluated: 2022-03-16. Review status: criteria provided, single submitter. Criteria: Ambry Variant Classification Scheme 2023. Collection method: clinical testing. Allele origin: germline.

Fulgent Genetics
Classification: Uncertain significance for Alstrom syndrome. Last evaluated: 2018-10-31. Review status: criteria provided, single submitter. Criteria: ACMG Guidelines, 2015. Collection method: clinical testing. Allele origin: unknown.

Institute of Human Genetics, Univ. Regensburg, Univ. Regensburg
Classification: Uncertain significance for Retinal dystrophy. Last evaluated: 2023-01-01. Review status: no assertion criteria provided. Criteria: ACMG Guidelines, 2015. Collection method: clinical testing. Allele origin: germline. Affected: yes. Not counted in ClinVar's aggregate classification.

Natera, Inc.
Classification: Uncertain significance for Alstrom syndrome. Last evaluated: 2021-07-20. Review status: no assertion criteria provided. Collection method: clinical testing. Allele origin: germline. Not counted in ClinVar's aggregate classification.

Literature cited by the submitters: PubMed 25846608 (cited by Ambry Genetics); PubMed 30513137 (cited by Ambry Genetics).